The following is an entry in ClinVar:

ClinVar aggregate classification (germline): Uncertain significance. Review status: criteria provided, multiple submitters, no conflicts (2 of 4 stars). 2 submissions from 2 submitters: Uncertain significance (2). Last evaluated 2025-03-13.

Conditions:
Inborn genetic diseases. Identifiers: MedGen C0950123, MeSH D030342.

Allele frequency attached by ClinVar (database versions not stated): TOPMed below 0.00001; gnomAD 0.00001; gnomAD exomes 0.00001.
gnomAD v4.1: 8 of 1,612,812 alleles (0.0005%); highest among the groups gnomAD compares: Non-Finnish European, 0.00068%; no homozygotes.

Submissions (2):

Labcorp Genetics (formerly Invitae), Labcorp
Classification: Uncertain significance. Last evaluated: 2025-03-13. Review status: criteria provided, single submitter. Criteria: Invitae Variant Classification Sherloc (09022015). Collection method: clinical testing. Allele origin: germline.
Comment: This sequence change replaces serine, which is neutral and polar, with tyrosine, which is neutral and polar, at codon 420 of the PDE6B protein (p.Ser420Tyr). This variant is present in population databases (no rsID available, gnomAD 0.007%). This variant has not been reported in the literature in individuals affected with PDE6B-related conditions. ClinVar contains an entry for this variant (Variation ID: 2183619). An algorithm developed to predict the effect of missense changes on protein structure and function (PolyPhen-2) suggests that this variant is likely to be disruptive. In summary, the available evidence is currently insufficient to determine the role of this variant in disease. Therefore, it has been classified as a Variant of Uncertain Significance.

Ambry Genetics
Classification: Uncertain significance for Inborn genetic diseases. Last evaluated: 2022-08-08. Review status: criteria provided, single submitter. Criteria: Ambry Variant Classification Scheme 2023. Collection method: clinical testing. Allele origin: germline.

NM_000283.4(PDE6B):c.1259C>A (p.Ser420Tyr)

Gene: PDE6B (phosphodiesterase 6B; plus strand). Cytogenetic location: 4p16.3.
Variant type: single nucleotide variant.
Coding change: c.1259C>A on transcript NM_000283.4 (MANE Select); coding-DNA position 1259, C replaced by A.
Protein change: p.Ser420Tyr; replaces serine 420 with tyrosine.
Molecular consequence: missense variant.
Genome position (GRCh38, 1-based): chr4:657,352, C>A. VCF-style: chr4-657352-C-A. GRCh37 (hg19) VCF-style: chr4-651141-C-A.
Other names: c.1259C>A (NM_000283.3); c.1259C>A, p.Ser420Tyr (NM_001145291.2); c.422C>A, p.Ser141Tyr (NM_001145292.2, NM_001350154.3, NM_001379246.1 and 1 more transcripts); c.104C>A, p.Ser35Tyr (NM_001350155.3); short protein forms S35Y, S141Y, S420Y.
Identifiers: ClinVar variation 2183619 (VCV002183619.5), dbSNP rs1179515943, ClinGen allele CA355913697.